The following is an entry in ClinVar:

NM_003489.4(NRIP1):c.1555C>T (p.Pro519Ser)

Gene: NRIP1 (nuclear receptor interacting protein 1; minus strand). Cytogenetic location: 21q11.2.
Variant type: single nucleotide variant.
Coding change: c.1555C>T on transcript NM_003489.4 (MANE Select); coding-DNA position 1555, C replaced by T.
Protein change: p.Pro519Ser; replaces proline 519 with serine.
Molecular consequence: missense variant.
Genome position (GRCh38, 1-based): chr21:14,966,638, G>A on the plus strand (C>T on the coding strand, the complement: NRIP1 is on the minus strand). VCF-style: chr21-14966638-G-A. GRCh37 (hg19) VCF-style: chr21-16338959-G-A.
Other names: short protein forms P519S.
Identifiers: ClinVar variation 1920141 (VCV001920141.5), dbSNP rs764759333, ClinGen allele CA9981319.
Genomic context (GRCh38, chr21:14,966,638, plus strand): 5'-CAGAAGTCCTTGCATAATTTTGTGTATTGAACTTGCTCACATCATTGTGTACTCCCTGAG[G>A]GCTGGTGTTTTTTTCTACATTTTCTTCATTCTTATGGCCAAGTAGCAATTGAAGAAGTGT-3'
Protein context (NP_003480.2, residues 509-529): NEENVEKNTS[Pro519Ser]QGVHNDVSKF

ClinVar aggregate classification (germline): Uncertain significance (1 of 4 stars; one submission).

Allele frequency attached by ClinVar (database versions not stated): ExAC 0.00001; gnomAD exomes 0.00001; TOPMed 0.00001; gnomAD 0.00002.
gnomAD v4.1: 14 of 1,613,938 alleles (0.00087%); highest among the groups gnomAD compares: Non-Finnish European, 0.0012%; no homozygotes.

Submission:

Labcorp Genetics (formerly Invitae), Labcorp
Classification: Uncertain significance. Last evaluated: 2024-01-24. Review status: criteria provided, single submitter. Criteria: Invitae Variant Classification Sherloc (09022015). Collection method: clinical testing. Allele origin: germline.
Comment: This sequence change replaces proline, which is neutral and non-polar, with serine, which is neutral and polar, at codon 519 of the NRIP1 protein (p.Pro519Ser). This variant is present in population databases (rs764759333, gnomAD 0.002%). This variant has not been reported in the literature in individuals affected with NRIP1-related conditions. ClinVar contains an entry for this variant (Variation ID: 1920141). Algorithms developed to predict the effect of missense changes on protein structure and function output the following: SIFT: "Not Available"; PolyPhen-2: "Benign"; Align-GVGD: "Not Available". The serine amino acid residue is found in multiple mammalian species, which suggests that this missense change does not adversely affect protein function. In summary, the available evidence is currently insufficient to determine the role of this variant in disease. Therefore, it has been classified as a Variant of Uncertain Significance.